The following is an entry in ClinVar:

ClinVar aggregate classification (germline): Conflicting classifications of pathogenicity. Review status: criteria provided, conflicting classifications (1 of 4 stars). 5 submissions from 5 submitters: Uncertain significance (3); Likely benign (1). 1 of the submissions does not count toward it. Last evaluated 2025-04-01.

Conditions:
Inborn genetic diseases. Identifiers: MedGen C0950123, MeSH D030342.
UMOD-related disorder. Also called: UMOD-related condition.
Familial juvenile hyperuricemic nephropathy type 1 (ADTKD1). Also called: Glomerulocystic kidney disease with hyperuricemia and isosthenuria; Medullary cystic kidney disease 2; Autosomal Dominant Tubulointerstitial Kidney Disease – UMOD; UMOD-Associated Kidney Disease; Uromodulin-associated kidney disease. Identifiers: Orphanet 209886, Orphanet 34149, Orphanet 88950, MedGen C4551496, MONDO:0008073, OMIM 162000.

Allele frequency attached by ClinVar (database versions not stated): gnomAD 0.00001; gnomAD exomes 0.00001 and 0.00004; ExAC 0.00002; TOPMed 0.00003.
gnomAD v4.1: 59 of 1,614,094 alleles (0.0037%); highest among the groups gnomAD compares: Middle Eastern, 0.016%; no homozygotes.

Submissions (5):

Ambry Genetics
Classification: Uncertain significance for Inborn genetic diseases. Last evaluated: 2025-04-01. Review status: criteria provided, single submitter. Criteria: Ambry Variant Classification Scheme 2023. Collection method: clinical testing. Allele origin: germline.

Fulgent Genetics
Classification: Uncertain significance for Familial juvenile hyperuricemic nephropathy type 1. Last evaluated: 2023-12-28. Review status: criteria provided, single submitter. Criteria: ACMG Guidelines, 2015. Collection method: clinical testing. Allele origin: germline.

Labcorp Genetics (formerly Invitae), Labcorp
Classification: Uncertain significance. Last evaluated: 2023-08-14. Review status: criteria provided, single submitter. Criteria: Invitae Variant Classification Sherloc (09022015). Collection method: clinical testing. Allele origin: germline.
Comment: This sequence change replaces arginine, which is basic and polar, with tryptophan, which is neutral and slightly polar, at codon 375 of the UMOD protein (p.Arg375Trp). This variant is present in population databases (rs373609971, gnomAD 0.005%). This variant has not been reported in the literature in individuals affected with UMOD-related conditions. ClinVar contains an entry for this variant (Variation ID: 884578). Advanced modeling of protein sequence and biophysical properties (such as structural, functional, and spatial information, amino acid conservation, physicochemical variation, residue mobility, and thermodynamic stability) performed at Invitae indicates that this missense variant is not expected to disrupt UMOD protein function. In summary, the available evidence is currently insufficient to determine the role of this variant in disease. Therefore, it has been classified as a Variant of Uncertain Significance.

Illumina Laboratory Services, Illumina
Classification: Likely benign for UMOD-Associated Kidney Disease. Last evaluated: 2018-01-12. Review status: criteria provided, single submitter. Criteria: ICSL Variant Classification Criteria 13 December 2019. Collection method: clinical testing. Allele origin: germline.
Comment: This variant was observed in the ICSL laboratory as part of a predisposition screen in an ostensibly healthy population. It had not been previously curated by ICSL or reported in the Human Gene Mutation Database (HGMD: prior to June 1st, 2018), and was therefore a candidate for classification through an automated scoring system. Utilizing variant allele frequency, disease prevalence and penetrance estimates, and inheritance mode, an automated score was calculated to assess if this variant is too frequent to cause the disease. Based on the score and internal cut-off values, a variant classified as likely benign is not then subjected to further curation. The score for this variant resulted in a classification of likely benign for this disease.

PreventionGenetics, part of Exact Sciences
Classification: Uncertain significance for UMOD-related condition. Last evaluated: 2024-01-12. Review status: no assertion criteria provided. Collection method: clinical testing. Allele origin: germline. Not counted in ClinVar's aggregate classification.
Comment: The UMOD c.1123C>T variant is predicted to result in the amino acid substitution p.Arg375Trp. To our knowledge, this variant has not been reported in the literature. This variant is reported in 0.0050% of alleles in individuals of East Asian descent in gnomAD. At this time, the clinical significance of this variant is uncertain due to the absence of conclusive functional and genetic evidence.

NM_003361.4(UMOD):c.1123C>T (p.Arg375Trp)

Gene: UMOD (uromodulin; minus strand). Cytogenetic location: 16p12.3.
Variant type: single nucleotide variant.
Coding change: c.1123C>T on transcript NM_003361.4 (MANE Select); coding-DNA position 1123, C replaced by T.
Protein change: p.Arg375Trp; replaces arginine 375 with tryptophan.
Molecular consequence: missense variant. On other transcripts: non-coding transcript variant (1).
Genome position (GRCh38, 1-based): chr16:20,346,185, G>A on the plus strand (C>T on the coding strand, the complement: UMOD is on the minus strand). VCF-style: chr16-20346185-G-A. GRCh37 (hg19) VCF-style: chr16-20357507-G-A.
Other names: c.1123C>T, p.Arg375Trp (NM_001008389.3, NM_001378232.1, NM_001378233.1 and 3 more transcripts); c.1222C>T, p.Arg408Trp (NM_001278614.2); c.1123C>T (NM_003361.2); short protein forms R408W, R375W.
Identifiers: ClinVar variation 884578 (VCV000884578.16), dbSNP rs373609971, ClinGen allele CA7939296.
Genomic context (GRCh38, chr16:20,346,185, plus strand): 5'-CCGTCAACACTGTCCCACAGGGGCCATCCCGGGCTGGGGTCACTACAGACACCCAGTCCC[G>A]GTTGTCTCTGTCATTGAAGCCCGAGCACCGGCTGTCACTCAGGTACATGAAGACCTTGTC-3'
Protein context (NP_003352.2, residues 365-385): RCSGFNDRDN[Arg375Trp]DWVSVVTPAR